The following is an entry in ClinVar:

ClinVar aggregate classification (germline): Uncertain significance (1 of 4 stars; one submission).

Conditions:
Microcephaly, normal intelligence and immunodeficiency (NBS). Also called: BERLIN BREAKAGE SYNDROME; Immunodeficiency, microcephaly with normal intelligence; SEEMANOVA SYNDROME II; Ataxia telangiectasia variant V1; Nijmegen breakage syndrome; IMMUNODEFICIENCY, MICROCEPHALY, AND CHROMOSOMAL INSTABILITY. Identifiers: Orphanet 647, MedGen C0398791, MONDO:0009623, OMIM 251260.

Submission:

Labcorp Genetics (formerly Invitae), Labcorp
Classification: Uncertain significance for Microcephaly, normal intelligence and immunodeficiency. Last evaluated: 2022-10-13. Review status: criteria provided, single submitter. Criteria: Invitae Variant Classification Sherloc (09022015). Collection method: clinical testing. Allele origin: germline.
Comment: In summary, the available evidence is currently insufficient to determine the role of this variant in disease. Therefore, it has been classified as a Variant of Uncertain Significance. Algorithms developed to predict the effect of missense changes on protein structure and function (SIFT, PolyPhen-2, Align-GVGD) all suggest that this variant is likely to be tolerated. ClinVar contains an entry for this variant (Variation ID: 658029). This variant has not been reported in the literature in individuals affected with NBN-related conditions. This variant is not present in population databases (gnomAD no frequency). This sequence change replaces aspartic acid, which is acidic and polar, with alanine, which is neutral and non-polar, at codon 629 of the NBN protein (p.Asp629Ala).

NM_002485.5(NBN):c.1886A>C (p.Asp629Ala)

Genes: NBN (nibrin; minus strand), LOC126860438 (MED14-independent group 3 enhancer GRCh37_chr8:90959982-90961181; plus strand). Cytogenetic location: 8q21.3.
Variant type: single nucleotide variant.
Coding change: c.1886A>C on transcript NM_002485.5 (MANE Select); coding-DNA position 1886, A replaced by C.
Protein change: p.Asp629Ala; replaces aspartic acid 629 with alanine.
Molecular consequence: missense variant.
Genome position (GRCh38, 1-based): chr8:89,947,852, T>G on the plus strand (A>C on the coding strand, the complement: NBN is on the minus strand). VCF-style: chr8-89947852-T-G. GRCh37 (hg19) VCF-style: chr8-90960080-T-G.
Other names: c.1640A>C, p.Asp547Ala (NM_001024688.3); short protein forms D547A, D629A.
Identifiers: ClinVar variation 658029 (VCV000658029.9), dbSNP rs1586043675, ClinGen allele CA371677239.